The following is an entry in ClinVar:

NM_001037.5(SCN1B):c.448+328T>C

Gene: SCN1B (sodium voltage-gated channel beta subunit 1; plus strand). Cytogenetic location: 19q13.11.
Variant type: single nucleotide variant.
Coding change: c.448+328T>C on transcript NM_001037.5 (MANE Select); 328 bases into the intron after coding-DNA position 448, T replaced by C.
Molecular consequence: intron variant. On other transcripts: missense variant (1).
Genome position (GRCh38, 1-based): chr19:35,034,067, T>C. VCF-style: chr19-35034067-T-C. GRCh37 (hg19) VCF-style: chr19-35524971-T-C.
Other names: c.776T>C, p.Ile259Thr (NM_199037.5); c.349+328T>C (NM_001321605.2); short protein forms I259T.
Identifiers: ClinVar variation 4803369 (VCV004803369.1).

ClinVar aggregate classification (germline): Uncertain significance (1 of 4 stars; one submission).

Conditions:
Brugada syndrome 5 (BRGDA5). Identifiers: Orphanet 130, Orphanet 871, MedGen C2748541, MONDO:0013015, OMIM 612838.

gnomAD v4.1: 2 of 1,551,258 alleles (0.00013%); highest among the groups gnomAD compares: Non-Finnish European, 0.00017%; no homozygotes.

Submission:

Labcorp Genetics (formerly Invitae), Labcorp
Classification: Uncertain significance for Brugada syndrome 5. Last evaluated: 2025-07-21. Review status: criteria provided, single submitter. Criteria: Invitae Variant Classification Sherloc (09022015). Collection method: clinical testing. Allele origin: germline.
Comment: This sequence change replaces isoleucine, which is neutral and non-polar, with threonine, which is neutral and polar, at codon 259 of the SCN1B protein (p.Ile259Thr). This variant is present in population databases (no rsID available, gnomAD 0.003%). This variant has not been reported in the literature in individuals affected with SCN1B-related conditions. An algorithm developed to predict the effect of missense changes on protein structure and function (PolyPhen-2) suggests that this variant is likely to be tolerated. In summary, the available evidence is currently insufficient to determine the role of this variant in disease. Therefore, it has been classified as a Variant of Uncertain Significance.